The following is an entry in ClinVar:

ClinVar aggregate classification (germline): Uncertain significance (1 of 4 stars; one submission).

Conditions:
Cardiovascular phenotype. Identifiers: MedGen CN230736.

gnomAD v4.1: 1 of 1,610,700 alleles (0.000062%); no homozygotes.

Submission:

Ambry Genetics
Classification: Uncertain significance for Cardiovascular phenotype. Last evaluated: 2024-02-09. Review status: criteria provided, single submitter. Criteria: Ambry Variant Classification Scheme 2023. Collection method: clinical testing. Allele origin: germline.
Comment: The p.R1691S variant (also known as c.5071C>A), located in coding exon 13 of the TNXB gene, results from a C to A substitution at nucleotide position 5071. The arginine at codon 1691 is replaced by serine, an amino acid with dissimilar properties. This amino acid position is conserved. In addition, this alteration is predicted to be tolerated by in silico analysis. Based on the available evidence, the clinical significance of this alteration remains unclear.

NM_001365276.2(TNXB):c.5071C>A (p.Arg1691Ser)

Gene: TNXB (tenascin XB; minus strand). Cytogenetic location: 6p21.33.
Variant type: single nucleotide variant.
Coding change: c.5071C>A on transcript NM_001365276.2 (MANE Select); coding-DNA position 5071, C replaced by A.
Protein change: p.Arg1691Ser; replaces arginine 1691 with serine.
Molecular consequence: missense variant.
Genome position (GRCh38, 1-based): chr6:32,070,334, G>T on the plus strand (C>A on the coding strand, the complement: TNXB is on the minus strand). VCF-style: chr6-32070334-G-T. GRCh37 (hg19) VCF-style: chr6-32038111-G-T.
Other names: c.5812C>A, p.Arg1938Ser (NM_001428335.1); c.5071C>A, p.Arg1691Ser (NM_019105.8); short protein forms R1691S, R1938S.
Identifiers: ClinVar variation 3227287 (VCV003227287.1), dbSNP rs1398879319, ClinGen allele CA363416009.